The following is an entry in ClinVar:

NM_005559.4(LAMA1):c.1713C>T (p.Ala571=)

Gene: LAMA1 (laminin subunit alpha 1; minus strand). Cytogenetic location: 18p11.31.
Variant type: single nucleotide variant.
Coding change: c.1713C>T on transcript NM_005559.4 (MANE Select); coding-DNA position 1713, C replaced by T.
Protein change: p.Ala571=; no amino-acid change (alanine 571 retained).
Molecular consequence: synonymous variant.
Genome position (GRCh38, 1-based): chr18:7,037,602, G>A on the plus strand (C>T on the coding strand, the complement: LAMA1 is on the minus strand). VCF-style: chr18-7037602-G-A. GRCh37 (hg19) VCF-style: chr18-7037601-G-A.
Identifiers: ClinVar variation 728834 (VCV000728834.33), dbSNP rs142476912, ClinGen allele CA8882915.

ClinVar aggregate classification (germline): Likely benign. Review status: criteria provided, multiple submitters, no conflicts (2 of 4 stars). 3 submissions from 3 submitters: Likely benign (3). Last evaluated 2025-11-01.

Allele frequency attached by ClinVar (database versions not stated): gnomAD exomes 0.00027 and 0.00051; ExAC 0.00049; gnomAD 0.00056 and 0.00057; TOPMed 0.00075; ESP Exome Variant Server 0.00077; 1000 Genomes Project 0.00100.
gnomAD v4.1: 503 of 1,614,002 alleles (0.031%); highest among the groups gnomAD compares: Middle Eastern, 0.13%; 2 homozygotes.

Submissions (3):

CeGaT Center for Human Genetics Tuebingen
Classification: Likely benign. Last evaluated: 2025-11-01. Review status: criteria provided, single submitter. Criteria: CeGaT Center For Human Genetics Tuebingen Variant Classification Criteria Version 2. Collection method: clinical testing. Allele origin: germline. Affected: yes. Observed: 8 variant alleles.
Comment: LAMA1: BP4, BP7

Labcorp Genetics (formerly Invitae), Labcorp
Classification: Likely benign. Last evaluated: 2025-10-08. Review status: criteria provided, single submitter. Criteria: Invitae Variant Classification Sherloc (09022015). Collection method: clinical testing. Allele origin: germline.

Blueprint Genetics
Classification: Likely benign. Last evaluated: 2024-09-21. Review status: criteria provided, single submitter. Criteria: ACMG Guidelines, 2015. Collection method: clinical testing. Allele origin: germline.